The following is an entry in ClinVar:

ClinVar aggregate classification (germline): Uncertain significance (1 of 4 stars; one submission).

Submission:

Dasa
Classification: Uncertain significance. Last evaluated: 2025-10-07. Review status: criteria provided, single submitter. Criteria: DASA Assertion Criteria. Collection method: clinical testing. Allele origin: germline.
Comment: NM_004380.3(CREBBP):c.1138T>C (p.Cys380Arg) is a missense variant that results in the substitution of cysteine with arginine. The affected residue or protein region has prior evidence supporting clinical relevance. This variant is absent from population databases. Computational prediction algorithms are consistent with a deleterious effect. The currently available literature and clinical evidence are not sufficient to establish a definitive association between this variant and the reported condition. Therefore, this variant is classified as a variant of uncertain significance.

NM_004380.3(CREBBP):c.1138T>C (p.Cys380Arg)

Gene: CREBBP (CREB binding lysine acetyltransferase; minus strand). Cytogenetic location: 16p13.3.
Variant type: single nucleotide variant.
Coding change: c.1138T>C on transcript NM_004380.3 (MANE Select); coding-DNA position 1138, T replaced by C.
Protein change: p.Cys380Arg; replaces cysteine 380 with arginine.
Molecular consequence: missense variant.
Genome position (GRCh38, 1-based): chr16:3,793,464, A>G on the plus strand (T>C on the coding strand, the complement: CREBBP is on the minus strand). VCF-style: chr16-3793464-A-G. GRCh37 (hg19) VCF-style: chr16-3843465-A-G.
Other names: c.1138T>C, p.Cys380Arg (NM_001079846.1); short protein forms C380R.
Identifiers: ClinVar variation 4883165 (VCV004883165.2).